The following is an entry in ClinVar:

NM_000550.3(TYRP1):c.1082G>C (p.Gly361Ala)

Genes: LURAP1L-AS1 (LURAP1L antisense RNA 1; minus strand), TYRP1 (tyrosinase related protein 1; plus strand). Cytogenetic location: 9p23.
Variant type: single nucleotide variant.
Coding change: c.1082G>C on transcript NM_000550.3 (MANE Select); coding-DNA position 1082, G replaced by C.
Protein change: p.Gly361Ala; replaces glycine 361 with alanine.
Molecular consequence: missense variant.
Genome position (GRCh38, 1-based): chr9:12,704,526, G>C. VCF-style: chr9-12704526-G-C. GRCh37 (hg19) VCF-style: chr9-12704526-G-C.
Other names: short protein forms G361A.
Identifiers: ClinVar variation 1304573 (VCV001304573.5), dbSNP rs372225049, ClinGen allele CA4985441.

ClinVar aggregate classification (germline): Uncertain significance. Review status: criteria provided, multiple submitters, no conflicts (2 of 4 stars). 3 submissions from 3 submitters: Uncertain significance (3). Last evaluated 2025-10-22.

Conditions:
Oculocutaneous albinism type 3 (OCA3). Also called: ALBINISM III; XANTHISM; Rufous OCA; Rufous albinism; Albinism, oculocutaneous, type III; RUFOUS OCULOCUTANEOUS ALBINISM. Identifiers: Orphanet 79433, MedGen C0342683, MONDO:0008747, OMIM 203290.
MELANESIAN BLOND HAIR (SHEP11). Also called: SKIN/HAIR/EYE PIGMENTATION 11, BLUE/NONBLUE EYES; Skin/hair/eye pigmentation, variation in, 11. Identifiers: MedGen C2677086, OMIM 612271.

Allele frequency attached by ClinVar (database versions not stated): ExAC 0.00001; gnomAD 0.00001; gnomAD exomes 0.00003 and 0.00004; ESP Exome Variant Server 0.00008.
gnomAD v4.1: 67 of 1,611,336 alleles (0.0042%); highest among the groups gnomAD compares: Non-Finnish European, 0.0054%; no homozygotes.

Submissions (3):

Labcorp Genetics (formerly Invitae), Labcorp
Classification: Uncertain significance. Last evaluated: 2025-10-22. Review status: criteria provided, single submitter. Criteria: Invitae Variant Classification Sherloc (09022015). Collection method: clinical testing. Allele origin: germline.
Comment: This sequence change replaces glycine, which is neutral and non-polar, with alanine, which is neutral and non-polar, at codon 361 of the TYRP1 protein (p.Gly361Ala). This variant is present in population databases (rs372225049, gnomAD 0.005%). This missense change has been observed in individual(s) with clinical features of oculocutaneous albinism (PMID: 29345414; internal data). In at least one individual the data is consistent with being in trans (on the opposite chromosome) from a pathogenic variant. ClinVar contains an entry for this variant (Variation ID: 1304573). An algorithm developed to predict the effect of missense changes on protein structure and function (PolyPhen-2) suggests that this variant is likely to be disruptive. In summary, the available evidence is currently insufficient to determine the role of this variant in disease. Therefore, it has been classified as a Variant of Uncertain Significance.

Fulgent Genetics
Classification: Uncertain significance for Oculocutaneous albinism type 3; MELANESIAN BLOND HAIR. Last evaluated: 2021-07-28. Review status: criteria provided, single submitter. Criteria: ACMG Guidelines, 2015. Collection method: clinical testing. Allele origin: unknown.

GeneDx
Classification: Uncertain significance. Last evaluated: 2019-11-19. Review status: criteria provided, single submitter. Criteria: GeneDx Variant Classification Process June 2021. Collection method: clinical testing. Allele origin: germline. Affected: yes.
Comment: In silico analysis, which includes protein predictors and evolutionary conservation, supports a deleterious effect; In silico analysis, which includes splice predictors, supports a deleterious effect; Has been reported as a single heterozygous variant in one patient with albinism (Lasseaux et al., 2018); has also been reported in the heterozygous state in a single patient from a cohort of families with cutaneous melanoma (Nathan et al., 2019); This variant is associated with the following publications: (PMID: 29345414, 31233279)

Literature cited by the submitters: PubMed 29345414 (cited by Labcorp Genetics (formerly Invitae), Labcorp).